The following is an entry in ClinVar:

ClinVar aggregate classification (germline): Likely pathogenic (1 of 4 stars; one submission).

Conditions:
Myoclonic dystonia 11 (DYT11). Also called: DYT-SGCE; Myoclonic dystonia; Dystonia 11; Dystonia, alcohol responsive; Hereditary essential myoclonus; SGCE Myoclonus-Dystonia. Identifiers: Orphanet 36899, MedGen C1834570, MONDO:0008044, OMIM 159900.

Submission:

Labcorp Genetics (formerly Invitae), Labcorp
Classification: Likely pathogenic for Myoclonic dystonia 11. Last evaluated: 2023-08-24. Review status: criteria provided, single submitter. Criteria: Invitae Variant Classification Sherloc (09022015). Collection method: clinical testing. Allele origin: germline.
Comment: In summary, the currently available evidence indicates that the variant is pathogenic, but additional data are needed to prove that conclusively. Therefore, this variant has been classified as Likely Pathogenic. Algorithms developed to predict the effect of sequence changes on RNA splicing suggest that this variant may disrupt the consensus splice site. ClinVar contains an entry for this variant (Variation ID: 2090651). This variant has not been reported in the literature in individuals affected with SGCE-related conditions. This variant is not present in population databases (gnomAD no frequency). This sequence change affects a donor splice site in intron 5 of the SGCE gene. It is expected to disrupt RNA splicing. Variants that disrupt the donor or acceptor splice site typically lead to a loss of protein function (PMID: 16199547), and loss-of-function variants in SGCE are known to be pathogenic (PMID: 12821748, 15389977, 17853490, 24297365).

Literature cited by the submitters: PubMed 16199547; PubMed 12821748; PubMed 15389977; PubMed 17853490; PubMed 24297365.

NM_003919.3(SGCE):c.662+1G>C

Genes: CASD1 (CAS1 domain sialic acid O acetyltransferase 1; plus strand), SGCE (sarcoglycan epsilon; minus strand). Cytogenetic location: 7q21.3.
Variant type: single nucleotide variant.
Coding change: c.662+1G>C on transcript NM_003919.3 (MANE Select); the canonical splice donor site of the intron after coding-DNA position 662, G replaced by C.
Molecular consequence: splice donor variant.
Genome position (GRCh38, 1-based): chr7:94,618,757, C>G on the plus strand (G>C on the coding strand, the complement: SGCE is on the minus strand). VCF-style: chr7-94618757-C-G. GRCh37 (hg19) VCF-style: chr7-94248069-C-G.
Other names: c.539+1G>C (NM_001362809.2, NM_001301139.2); c.662+1G>C (NM_001346717.2, NM_001099400.2, NM_001099401.2); c.770+1G>C (NM_001346715.2, NM_001346713.2); c.575+1G>C (NM_001362807.2, NM_001346719.2); c.389+1G>C (NM_001362808.2, NM_001346720.2).
Identifiers: ClinVar variation 2090651 (VCV002090651.4), dbSNP rs2485107502, ClinGen allele CA368234944.